The following is an entry in ClinVar:

ClinVar aggregate classification (germline): Pathogenic/Likely pathogenic. Review status: criteria provided, multiple submitters, no conflicts (2 of 4 stars). 2 submissions from 2 submitters: Pathogenic (1); Likely pathogenic (1). Last evaluated 2025-01-20.

Conditions:
RTN4IP1-related disorder. Also called: RTN4IP1-related condition.

Allele frequency attached by ClinVar (database versions not stated): gnomAD 0.00001; gnomAD exomes 0.00001; ExAC 0.00002; TOPMed 0.00002.
gnomAD v4.1: 9 of 1,613,796 alleles (0.00056%); highest among the groups gnomAD compares: Non-Finnish European, 0.00076%; no homozygotes.

Submissions (2):

Labcorp Genetics (formerly Invitae), Labcorp
Classification: Pathogenic. Last evaluated: 2025-01-20. Review status: criteria provided, single submitter. Criteria: Invitae Variant Classification Sherloc (09022015). Collection method: clinical testing. Allele origin: germline.
Comment: This sequence change creates a premature translational stop signal (p.Ser293*) in the RTN4IP1 gene. It is expected to result in an absent or disrupted protein product. Loss-of-function variants in RTN4IP1 are known to be pathogenic (PMID: 26593267). This variant is present in population databases (rs746206163, gnomAD 0.004%). This variant has not been reported in the literature in individuals affected with RTN4IP1-related conditions. ClinVar contains an entry for this variant (Variation ID: 1454192). Algorithms developed to predict the effect of sequence changes on RNA splicing suggest that this variant may disrupt the consensus splice site. For these reasons, this variant has been classified as Pathogenic.

Blueprint Genetics
Classification: Likely pathogenic for RTN4IP1-related disorders. Last evaluated: 2022-01-14. Review status: criteria provided, single submitter. Criteria: ACMG Guidelines, 2015. Collection method: clinical testing. Allele origin: germline. Affected: yes. Observed: 3 variant alleles.

Literature cited by the submitters: PubMed 26593267 (cited by Labcorp Genetics (formerly Invitae), Labcorp).

NM_032730.5(RTN4IP1):c.878C>G (p.Ser293Ter)

Gene: RTN4IP1 (reticulon 4 interacting protein 1; minus strand). Cytogenetic location: 6q21.
Variant type: single nucleotide variant.
Coding change: c.878C>G on transcript NM_032730.5 (MANE Select); coding-DNA position 878, C replaced by G.
Protein change: p.Ser293Ter; replaces serine 293 with a stop codon.
Molecular consequence: nonsense.
Genome position (GRCh38, 1-based): chr6:106,587,791, G>C on the plus strand (C>G on the coding strand, the complement: RTN4IP1 is on the minus strand). VCF-style: chr6-106587791-G-C. GRCh37 (hg19) VCF-style: chr6-107035666-G-C.
Other names: c.578C>G, p.Ser193Ter (NM_001318746.1); short protein forms S293*, S193*.
Identifiers: ClinVar variation 1454192 (VCV001454192.7), dbSNP rs746206163, ClinGen allele CA3944340.